The following is an entry in ClinVar:

NM_001371986.1(UNC80):c.4793A>G (p.Lys1598Arg)

Gene: UNC80 (unc-80 subunit of NALCN channel complex; plus strand). Cytogenetic location: 2q34.
Variant type: single nucleotide variant.
Coding change: c.4793A>G on transcript NM_001371986.1 (MANE Select); coding-DNA position 4793, A replaced by G.
Protein change: p.Lys1598Arg; replaces lysine 1598 with arginine.
Molecular consequence: missense variant.
Genome position (GRCh38, 1-based): chr2:209,912,570, A>G. VCF-style: chr2-209912570-A-G. GRCh37 (hg19) VCF-style: chr2-210777294-A-G.
Other names: c.4595A>G, p.Lys1532Arg (NM_032504.2); c.4580A>G, p.Lys1527Arg (NM_182587.4); short protein forms K1527R, K1532R, K1598R.
Identifiers: ClinVar variation 1520185 (VCV001520185.6), dbSNP rs2124941394, ClinGen allele CA350753990.

ClinVar aggregate classification (germline): Uncertain significance (1 of 4 stars; one submission).

Submission:

Labcorp Genetics (formerly Invitae), Labcorp
Classification: Uncertain significance. Last evaluated: 2021-03-26. Review status: criteria provided, single submitter. Criteria: Invitae Variant Classification Sherloc (09022015). Collection method: clinical testing. Allele origin: germline.
Comment: This variant is not present in population databases (ExAC no frequency). This sequence change replaces lysine with arginine at codon 1532 of the UNC80 protein (p.Lys1532Arg). The lysine residue is weakly conserved and there is a small physicochemical difference between lysine and arginine. In summary, the available evidence is currently insufficient to determine the role of this variant in disease. Therefore, it has been classified as a Variant of Uncertain Significance. Algorithms developed to predict the effect of missense changes on protein structure and function are either unavailable or do not agree on the potential impact of this missense change (SIFT: "Not Available"; PolyPhen-2: "Probably Damaging"; Align-GVGD: "Not Available"). This variant has not been reported in the literature in individuals with UNC80-related conditions.